The following is an entry in ClinVar:

ClinVar aggregate classification (germline): Uncertain significance (1 of 4 stars; one submission).

Conditions:
Melanoma, cutaneous malignant, susceptibility to, 5. Also called: Cutaneous malignant melanoma 5. Identifiers: Orphanet 618, MedGen C2751295, MONDO:0013133, OMIM 613099.

Allele frequency attached by ClinVar (database versions not stated): gnomAD 0.00001; gnomAD exomes 0.00001; TOPMed 0.00001; ExAC 0.00002; ESP Exome Variant Server 0.00008.

Submission:

Labcorp Genetics (formerly Invitae), Labcorp
Classification: Uncertain significance for Melanoma, cutaneous malignant, susceptibility to, 5. Last evaluated: 2024-04-23. Review status: criteria provided, single submitter. Criteria: Invitae Variant Classification Sherloc (09022015). Collection method: clinical testing. Allele origin: germline.
Comment: This sequence change replaces isoleucine, which is neutral and non-polar, with threonine, which is neutral and polar, at codon 221 of the MC1R protein (p.Ile221Thr). This variant is present in population databases (rs371906898, gnomAD 0.003%). This missense change has been observed in individual(s) with melanoma (PMID: 18983535, 19799798). ClinVar contains an entry for this variant (Variation ID: 1391925). Advanced modeling of protein sequence and biophysical properties (such as structural, functional, and spatial information, amino acid conservation, physicochemical variation, residue mobility, and thermodynamic stability) performed at Invitae indicates that this missense variant is not expected to disrupt MC1R protein function with a negative predictive value of 80%. In summary, the available evidence is currently insufficient to determine the role of this variant in disease. Therefore, it has been classified as a Variant of Uncertain Significance.

Literature cited by the submitters: PubMed 18983535; PubMed 19799798.

NM_002386.4(MC1R):c.662T>C (p.Ile221Thr)

Gene: MC1R (melanocortin 1 receptor; plus strand). Cytogenetic location: 16q24.3.
Variant type: single nucleotide variant.
Coding change: c.662T>C on transcript NM_002386.4 (MANE Select); coding-DNA position 662, T replaced by C.
Protein change: p.Ile221Thr; replaces isoleucine 221 with threonine.
Molecular consequence: missense variant.
Genome position (GRCh38, 1-based): chr16:89,919,920, T>C. VCF-style: chr16-89919920-T-C. GRCh37 (hg19) VCF-style: chr16-89986328-T-C.
Other names: short protein forms I221T.
Identifiers: ClinVar variation 1391925 (VCV001391925.8), dbSNP rs371906898, ClinGen allele CA8255699.